The following is an entry in ClinVar:

ClinVar aggregate classification (germline): Likely benign (1 of 4 stars; one submission).

Conditions:
COL18A1-related disorder. Also called: COL18A1-related disorders; COL18A1-related condition.

Submission:

PreventionGenetics, part of Exact Sciences
Classification: Likely benign for COL18A1-related condition. Last evaluated: 2026-09-02. Review status: criteria provided, single submitter. Criteria: ACMG Guidelines, 2015. Collection method: clinical testing. Allele origin: germline.
Comment: This variant is classified as likely benign based on ACMG/AMP sequence variant interpretation guidelines (Richards et al. 2015 PMID: 25741868, with internal and published modifications).

NM_001379500.1(COL18A1):c.107-11527C>T

Gene: COL18A1 (collagen type XVIII alpha 1 chain; plus strand). Cytogenetic location: 21q22.3.
Variant type: single nucleotide variant.
Coding change: c.107-11527C>T on transcript NM_001379500.1 (MANE Select); 11527 bases into the intron before coding-DNA position 107, C replaced by T.
Molecular consequence: intron variant. On other transcripts: synonymous variant (1).
Genome position (GRCh38, 1-based): chr21:45,456,715, C>T. VCF-style: chr21-45456715-C-T. GRCh37 (hg19) VCF-style: chr21-46876629-C-T.
Other names: c.1185C>T, p.Pro395= (NM_130444.3); c.646+539C>T (NM_030582.4).
Identifiers: ClinVar variation 5002064 (VCV005002064.1).
Genomic context (GRCh38, chr21:45,456,715, plus strand): 5'-CCTGCTGCAGACGCACTGCCACCCCTTCCTCGCCTGGTTCTTCTGCCTGCTGCTGGTCCC[C>T]CCATGCGGCAGCGTCCCGCCGCCCGCCCCGCCACCCTGCTGCCAGTTCTGCGAGGCCCTG-3'